The following is an entry in ClinVar:

ClinVar aggregate classification (germline): Uncertain significance (1 of 4 stars; one submission).

Submission:

GeneDx
Classification: Uncertain significance. Last evaluated: 2022-06-22. Review status: criteria provided, single submitter. Criteria: GeneDx Variant Classification Process June 2021. Collection method: clinical testing. Allele origin: germline. Affected: yes.
Comment: Not observed at significant frequency in large population cohorts (gnomAD); In silico analysis supports that this missense variant has a deleterious effect on protein structure/function; Has not been previously published as pathogenic or benign to our knowledge

NM_001379200.1(TBX1):c.683C>G (p.Thr228Ser)

Gene: TBX1 (T-box transcription factor 1; plus strand). Cytogenetic location: 22q11.21.
Variant type: single nucleotide variant.
Coding change: c.683C>G on transcript NM_001379200.1 (MANE Select); coding-DNA position 683, C replaced by G.
Protein change: p.Thr228Ser; replaces threonine 228 with serine.
Molecular consequence: missense variant.
Genome position (GRCh38, 1-based): chr22:19,764,298, C>G. VCF-style: chr22-19764298-C-G. GRCh37 (hg19) VCF-style: chr22-19751821-C-G.
Other names: c.656C>G, p.Thr219Ser (NM_005992.1, NM_080646.2, NM_080647.1); short protein forms T219S, T228S.
Identifiers: ClinVar variation 1806694 (VCV001806694.1), dbSNP rs1936762069, ClinGen allele CA410683133.
Genomic context (GRCh38, chr22:19,764,298, plus strand): 5'-CGCCTGCCAAGGGCGCGCAGTGGATGAAGCAAATCGTGTCCTTCGACAAGCTCAAGCTGA[C>G]CAACAACCTACTGGACGACAACGGCCACGTGAGCGACTGCCTCCCCAGGCTCCGGTGTCC-3'
Protein context (NP_001366129.1, residues 218-238): QIVSFDKLKL[Thr228Ser]NNLLDDNGHI